The following is an entry in ClinVar:

NM_000238.4(KCNH2):c.391G>T (p.Val131Leu)

Gene: KCNH2 (potassium voltage-gated channel subfamily H member 2; minus strand). Cytogenetic location: 7q36.1.
Variant type: single nucleotide variant.
Coding change: c.391G>T on transcript NM_000238.4 (MANE Select); coding-DNA position 391, G replaced by T.
Protein change: p.Val131Leu; replaces valine 131 with leucine.
Molecular consequence: missense variant.
Genome position (GRCh38, 1-based): chr7:150,959,653, C>A on the plus strand (G>T on the coding strand, the complement: KCNH2 is on the minus strand). VCF-style: chr7-150959653-C-A. GRCh37 (hg19) VCF-style: chr7-150656741-C-A.
Other names: c.103G>T, p.Val35Leu (NM_001406753.1, NM_001406756.1); c.214G>T, p.Val72Leu (NM_001406755.1); c.91G>T, p.Val31Leu (NM_001406757.1); c.391G>T, p.Val131Leu (NM_172056.3); short protein forms V131L, V72L, V31L, V35L.
Identifiers: ClinVar variation 927974 (VCV000927974.24), dbSNP rs142590566, ClinGen allele CA039271.

ClinVar aggregate classification (germline): Uncertain significance. Review status: criteria provided, multiple submitters, no conflicts (2 of 4 stars). 8 submissions from 8 submitters: Uncertain significance (8). Last evaluated 2026-04-17.

Conditions:
Cardiovascular phenotype. Identifiers: MedGen CN230736.
Cardiac arrhythmia. Also called: Cardiac rhythm disease; Arrhythmia. Identifiers: MedGen C0003811, MONDO:0007263, HP:0011675.
Long QT syndrome (LQTS). Identifiers: MedGen C0023976, MeSH D008133, MONDO:0002442. Disease mechanism: loss of function. Inheritance: Various modes of inheritance.

Allele frequency attached by ClinVar (database versions not stated): ExAC 0.00002; TOPMed 0.00002; gnomAD 0.00003 and 0.00004; ESP Exome Variant Server 0.00008.
gnomAD v4.1: 53 of 1,614,094 alleles (0.0033%); highest among the groups gnomAD compares: Middle Eastern, 0.016%; no homozygotes.

Submissions (8):

Ambry Genetics
Classification: Uncertain significance for Cardiovascular phenotype. Last evaluated: 2026-04-17. Review status: criteria provided, single submitter. Criteria: Ambry Variant Classification Scheme 2023. Collection method: clinical testing. Allele origin: germline.
Comment: The p.V131L variant (also known as c.391G>T), located in coding exon 3 of the KCNH2 gene, results from a G to T substitution at nucleotide position 391. The valine at codon 131 is replaced by leucine, an amino acid with highly similar properties. This variant was reported in individual(s) with features consistent with cardiomyopathy and/or arrhythmia (Janin A et al. Mol Diagn Ther, 2021 May;25:373-385). This amino acid position is well conserved in available vertebrate species. In addition, the in silico prediction for this alteration is inconclusive. Based on the available evidence, the clinical significance of this variant remains unclear.

Women's Health and Genetics/Laboratory Corporation of America, LabCorp
Classification: Uncertain significance. Last evaluated: 2026-02-02. Review status: criteria provided, single submitter. Criteria: LabCorp Variant Classification Summary - May 2015. Collection method: clinical testing. Allele origin: germline.
Comment: Variant summary: KCNH2 c.391G>T (p.Val131Leu) results in a conservative amino acid change in the encoded protein sequence. Algorithms developed to predict the effect of missense changes on protein structure and function are either unavailable or do not agree on the potential impact of this missense change. The variant allele was found at a frequency of 1.2e-05 in 251440 control chromosomes. The available data on variant occurrences in the general population are insufficient to allow any conclusion about variant significance. To our knowledge, no occurrence of c.391G>T in individuals affected with KCNH2-related conditions and no experimental evidence demonstrating its impact on protein function have been reported. ClinVar contains an entry for this variant (Variation ID: 927974). Based on the evidence outlined above, the variant was classified as uncertain significance.

Labcorp Genetics (formerly Invitae), Labcorp
Classification: Uncertain significance for Long QT syndrome. Last evaluated: 2025-07-13. Review status: criteria provided, single submitter. Criteria: Invitae Variant Classification Sherloc (09022015). Collection method: clinical testing. Allele origin: germline.
Comment: This sequence change replaces valine, which is neutral and non-polar, with leucine, which is neutral and non-polar, at codon 131 of the KCNH2 protein (p.Val131Leu). This variant is present in population databases (rs142590566, gnomAD 0.01%). This variant has not been reported in the literature in individuals affected with KCNH2-related conditions. ClinVar contains an entry for this variant (Variation ID: 927974). An algorithm developed to predict the effect of missense changes on protein structure and function (PolyPhen-2) suggests that this variant is likely to be tolerated. In summary, the available evidence is currently insufficient to determine the role of this variant in disease. Therefore, it has been classified as a Variant of Uncertain Significance.

All of Us Research Program, National Institutes of Health
Classification: Uncertain significance for Long QT syndrome. Last evaluated: 2024-06-11. Review status: criteria provided, single submitter. Criteria: ACMG Guidelines, 2015. Collection method: clinical testing. Allele origin: germline. Inheritance: Autosomal dominant inheritance. Observed: 8 variant alleles, 8 heterozygotes.
Comment: This missense variant replaces valine with leucine at codon 131 of the KCNH2 protein. Computational prediction suggests that this variant may not impact protein structure and function (internally defined REVEL score threshold <= 0.5, PMID: 27666373). To our knowledge, functional studies have not been reported for this variant. This variant has not been reported in individuals affected with cardiovascular disorders in the literature. This variant has been identified in 5/282830 chromosomes in the general population by the Genome Aggregation Database (gnomAD). The available evidence is insufficient to determine the role of this variant in disease conclusively. Therefore, this variant is classified as a Variant of Uncertain Significance.

This study involves interpretation of variants in research participants for the purpose of population health screening. Participant phenotype was not available at the time of variant classification. Additional details can be found in publication PMID: 35346344, PMCID: PMC8962531

Color Diagnostics, LLC DBA Color Health
Classification: Uncertain significance for Cardiac arrhythmia. Last evaluated: 2024-03-22. Review status: criteria provided, single submitter. Criteria: ACMG Guidelines, 2015. Collection method: clinical testing. Allele origin: germline.
Comment: This missense variant replaces valine with leucine at codon 131 of the KCNH2 protein. Computational prediction suggests that this variant may not impact protein structure and function (internally defined REVEL score threshold <= 0.5, PMID: 27666373). To our knowledge, functional studies have not been reported for this variant. This variant has not been reported in individuals affected with KCNH2-related disorders in the literature. This variant has been identified in 5/282830 chromosomes in the general population by the Genome Aggregation Database (gnomAD). The available evidence is insufficient to determine the role of this variant in disease conclusively. Therefore, this variant is classified as a Variant of Uncertain Significance.

Blueprint Genetics
Classification: Uncertain significance. Last evaluated: 2021-12-22. Review status: criteria provided, single submitter. Criteria: ACMG Guidelines, 2015. Collection method: clinical testing. Allele origin: germline.

Revvity Omics, Revvity
Classification: Uncertain significance. Last evaluated: 2021-10-11. Review status: criteria provided, single submitter. Criteria: ACMG Guidelines, 2015. Collection method: clinical testing. Allele origin: germline.

GeneDx
Classification: Uncertain significance. Last evaluated: 2019-07-02. Review status: criteria provided, single submitter. Criteria: GeneDx Variant Classification Process June 2021. Collection method: clinical testing. Allele origin: germline. Affected: yes.
Comment: Has not been previously published as pathogenic or benign to our knowledge; Not observed at a significant frequency in large population cohorts (Lek et al., 2016); In silico analysis, which includes protein predictors and evolutionary conservation, supports that this variant does not alter protein structure/function

Literature cited by the submitters: PubMed 33954932 (cited by Ambry Genetics).